The following is an entry in ClinVar:

NM_015259.6(ICOSLG):c.329A>G (p.Lys110Arg)

Gene: ICOSLG (inducible T cell costimulator ligand; minus strand). Cytogenetic location: 21q22.3.
Variant type: single nucleotide variant.
Coding change: c.329A>G on transcript NM_015259.6 (MANE Select); coding-DNA position 329, A replaced by G.
Protein change: p.Lys110Arg; replaces lysine 110 with arginine.
Molecular consequence: missense variant. On other transcripts: intron variant (1).
Genome position (GRCh38, 1-based): chr21:44,236,944, T>C on the plus strand (A>G on the coding strand, the complement: ICOSLG is on the minus strand). VCF-style: chr21-44236944-T-C. GRCh37 (hg19) VCF-style: chr21-45656827-T-C.
Other names: c.329A>G, p.Lys110Arg (NM_001283050.2, NM_001395918.1); c.74A>G, p.Lys25Arg (NM_001283052.2); c.248A>G, p.Lys83Arg (NM_001365759.2); c.56-1382A>G (NM_001283051.2); short protein forms K110R, K25R, K83R.
Identifiers: ClinVar variation 2999592 (VCV002999592.3), dbSNP rs763217965, ClinGen allele CA321498138.

ClinVar aggregate classification (germline): Uncertain significance (1 of 4 stars; one submission).

Allele frequency attached by ClinVar (database versions not stated): ExAC 0.00001.

Submission:

Labcorp Genetics (formerly Invitae), Labcorp
Classification: Uncertain significance. Last evaluated: 2025-07-29. Review status: criteria provided, single submitter. Criteria: Invitae Variant Classification Sherloc (09022015). Collection method: clinical testing. Allele origin: germline.
Comment: This sequence change replaces lysine, which is basic and polar, with arginine, which is basic and polar, at codon 110 of the ICOSLG protein (p.Lys110Arg). This variant is present in population databases (rs763217965, gnomAD 0.006%). This variant has not been reported in the literature in individuals affected with ICOSLG-related conditions. ClinVar contains an entry for this variant (Variation ID: 2999592). An algorithm developed to predict the effect of missense changes on protein structure and function outputs the following: PolyPhen-2: "Benign". The arginine amino acid residue is found in multiple mammalian species, which suggests that this missense change does not adversely affect protein function. In summary, the available evidence is currently insufficient to determine the role of this variant in disease. Therefore, it has been classified as a Variant of Uncertain Significance.